The following is an entry in ClinVar:

NM_001048174.2(MUTYH):c.713C>T (p.Ala238Val)

Gene: MUTYH (mutY DNA glycosylase; minus strand). Cytogenetic location: 1p34.1.
Variant type: single nucleotide variant.
Coding change: c.713C>T on transcript NM_001048174.2 (MANE Select); coding-DNA position 713, C replaced by T.
Protein change: p.Ala238Val; replaces alanine 238 with valine.
Molecular consequence: missense variant. On other transcripts: non-coding transcript variant (2).
Genome position (GRCh38, 1-based): chr1:45,332,302, G>A on the plus strand (C>T on the coding strand, the complement: MUTYH is on the minus strand). VCF-style: chr1-45332302-G-A. GRCh37 (hg19) VCF-style: chr1-45797974-G-A.
Other names: c.713C>T, p.Ala238Val (NM_001048171.2, NM_001048173.2, NM_001293195.2); c.716C>T, p.Ala239Val (NM_001048172.2); c.797C>T, p.Ala266Val (NM_001128425.2); c.758C>T, p.Ala253Val (NM_001293190.2); c.746C>T, p.Ala249Val (NM_001293191.2); c.437C>T, p.Ala146Val (NM_001293192.2, NM_001293196.2); c.368C>T, p.Ala123Val (NM_001350650.2, NM_001350651.2); c.788C>T, p.Ala263Val (NM_012222.3); short protein forms A123V, A266V, A146V, A238V, A239V, A249V, A253V, A263V.
Identifiers: ClinVar variation 940977 (VCV000940977.11), dbSNP rs750344996, ClinGen allele CA340134713.

ClinVar aggregate classification (germline): Conflicting classifications of pathogenicity. Review status: criteria provided, conflicting classifications (1 of 4 stars). 3 submissions from 3 submitters: Uncertain significance (2); Likely benign (1). Last evaluated 2025-12-29.

Conditions:
Familial adenomatous polyposis 2. Also called: Adenomas, multiple colorectal; MUTYH Polyposis; COLORECTAL ADENOMATOUS POLYPOSIS, AUTOSOMAL RECESSIVE; ADENOMAS, MULTIPLE COLORECTAL, AUTOSOMAL RECESSIVE; MUTYH-associated polyposis; MUTYH-related attenuated familial adenomatous polyposis. Identifiers: Orphanet 220460, Orphanet 247798, MedGen C3272841, MONDO:0012041, OMIM 608456.
Hereditary cancer-predisposing syndrome. Also called: Neoplastic Syndromes, Hereditary; Tumor predisposition; Hereditary Cancer Syndrome; Hereditary neoplastic syndrome. Identifiers: Orphanet 140162, MedGen C0027672, MeSH D009386, MONDO:0015356.

Submissions (3):

Center for Genomic Medicine, Rigshospitalet, Copenhagen University Hospital
Classification: Uncertain significance. Last evaluated: 2025-12-29. Review status: criteria provided, single submitter. Criteria: ACMG Guidelines, 2015. Collection method: clinical testing. Allele origin: germline.

Ambry Genetics
Classification: Likely benign for Hereditary cancer-predisposing syndrome. Last evaluated: 2025-09-16. Review status: criteria provided, single submitter. Criteria: Ambry Variant Classification Scheme 2023. Collection method: clinical testing. Allele origin: germline.

Labcorp Genetics (formerly Invitae), Labcorp
Classification: Uncertain significance for Familial adenomatous polyposis 2. Last evaluated: 2022-02-19. Review status: criteria provided, single submitter. Criteria: Invitae Variant Classification Sherloc (09022015). Collection method: clinical testing. Allele origin: germline.
Comment: In summary, the available evidence is currently insufficient to determine the role of this variant in disease. Therefore, it has been classified as a Variant of Uncertain Significance. Algorithms developed to predict the effect of missense changes on protein structure and function (SIFT, PolyPhen-2, Align-GVGD) all suggest that this variant is likely to be disruptive. ClinVar contains an entry for this variant (Variation ID: 940977). This variant has not been reported in the literature in individuals affected with MUTYH-related conditions. This variant is not present in population databases (gnomAD no frequency). This sequence change replaces alanine, which is neutral and non-polar, with valine, which is neutral and non-polar, at codon 266 of the MUTYH protein (p.Ala266Val).